The following is an entry in ClinVar:

ClinVar aggregate classification (germline): Uncertain significance (1 of 4 stars; one submission).

gnomAD v4.1: 1 of 1,367,388 alleles (0.000073%); highest among the groups gnomAD compares: South Asian, 0.0011%; no homozygotes.

Submission:

Labcorp Genetics (formerly Invitae), Labcorp
Classification: Uncertain significance. Last evaluated: 2025-05-24. Review status: criteria provided, single submitter. Criteria: Invitae Variant Classification Sherloc (09022015). Collection method: clinical testing. Allele origin: germline.
Comment: This sequence change replaces serine, which is neutral and polar, with asparagine, which is neutral and polar, at codon 1142 of the ERCC6L2 protein (p.Ser1142Asn). This variant is present in population databases (no rsID available, gnomAD 0.003%). This variant has not been reported in the literature in individuals affected with ERCC6L2-related conditions. Experimental studies and prediction algorithms are not available or were not evaluated, and the functional significance of this variant is currently unknown. In summary, the available evidence is currently insufficient to determine the role of this variant in disease. Therefore, it has been classified as a Variant of Uncertain Significance.

NM_020207.7(ERCC6L2):c.3392G>A (p.Ser1131Asn)

Gene: ERCC6L2 (ERCC excision repair 6 like 2; plus strand). Cytogenetic location: 9q22.32.
Variant type: single nucleotide variant.
Coding change: c.3392G>A on transcript NM_020207.7 (MANE Select); coding-DNA position 3392, G replaced by A.
Protein change: p.Ser1131Asn; replaces serine 1131 with asparagine.
Molecular consequence: missense variant. On other transcripts: non-coding transcript variant (1).
Genome position (GRCh38, 1-based): chr9:95,978,115, G>A. VCF-style: chr9-95978115-G-A. GRCh37 (hg19) VCF-style: chr9-98740397-G-A.
Other names: c.3392G>A, p.Ser1131Asn (NM_001375291.1, NM_001375292.1, NM_001375293.1 and 1 more transcripts); short protein forms S1131N.
Identifiers: ClinVar variation 4691178 (VCV004691178.1).
Genomic context (GRCh38, chr9:95,978,115, plus strand): 5'-TCCTAGATGGCGTTCAGGAAGTGGCTTATATTCACTCAAACCAGAATGTAATTGGATCGA[G>A]CAAAGCTGAAAATCACATGAGCCGATGGGCAGCACATGACGTATTTGAGTTGAAGCAGTT-3'
Protein context (NP_064592.3, residues 1121-1141): IHSNQNVIGS[Ser1131Asn]KAENHMSRWA